The following is an entry in ClinVar:

ClinVar aggregate classification (germline): Benign. Review status: criteria provided, single submitter (1 of 4 stars). 2 submissions from 2 submitters: Benign (1). 1 of the submissions does not count toward it. Last evaluated 2025-11-24.

Conditions:
TAOK2-related disorder. Also called: TAOK2-related condition.

Allele frequency attached by ClinVar (database versions not stated): gnomAD 0.00009; gnomAD exomes 0.00014 and 0.00037; ExAC 0.00038; 1000 Genomes Project 30x 0.00047; 1000 Genomes Project 0.00060.
gnomAD v4.1: 217 of 1,565,784 alleles (0.014%); highest among the groups gnomAD compares: South Asian, 0.24%; 1 homozygote.

Submissions (2):

Labcorp Genetics (formerly Invitae), Labcorp
Classification: Benign. Last evaluated: 2025-11-24. Review status: criteria provided, single submitter. Criteria: Invitae Variant Classification Sherloc (09022015). Collection method: clinical testing. Allele origin: germline.

PreventionGenetics, part of Exact Sciences
Classification: Likely benign for TAOK2-related condition. Last evaluated: 2019-03-26. Review status: no assertion criteria provided. Collection method: clinical testing. Allele origin: germline. Not counted in ClinVar's aggregate classification.
Comment: This variant is classified as likely benign based on ACMG/AMP sequence variant interpretation guidelines (Richards et al. 2015 PMID: 25741868, with internal and published modifications).

NM_016151.4(TAOK2):c.624C>G (p.Val208=)

Gene: TAOK2 (TAO kinase 2; plus strand). Cytogenetic location: 16p11.2.
Variant type: single nucleotide variant.
Coding change: c.624C>G on transcript NM_016151.4 (MANE Select); coding-DNA position 624, C replaced by G.
Protein change: p.Val208=; no amino-acid change (valine 208 retained).
Molecular consequence: synonymous variant.
Genome position (GRCh38, 1-based): chr16:29,979,477, C>G. VCF-style: chr16-29979477-C-G. GRCh37 (hg19) VCF-style: chr16-29990798-C-G.
Other names: c.624C>G, p.Val208= (NM_001252043.2, NM_004783.4); c.624C>G (NM_016151.3).
Identifiers: ClinVar variation 1536201 (VCV001536201.10), dbSNP rs554129882, ClinGen allele CA7997864.